The following is an entry in ClinVar:

NM_005149.3(TBX19):c.710A>G (p.His237Arg)

Gene: TBX19 (T-box transcription factor 19; plus strand). Cytogenetic location: 1q24.2.
Variant type: single nucleotide variant.
Coding change: c.710A>G on transcript NM_005149.3 (MANE Select); coding-DNA position 710, A replaced by G.
Protein change: p.His237Arg; replaces histidine 237 with arginine.
Molecular consequence: missense variant.
Genome position (GRCh38, 1-based): chr1:168,300,466, A>G. VCF-style: chr1-168300466-A-G. GRCh37 (hg19) VCF-style: chr1-168269704-A-G.
Other names: c.710A>G (NM_005149.2); short protein forms H237R.
Identifiers: ClinVar variation 2168534 (VCV002168534.2), dbSNP rs201741262, ClinGen allele CA1230629.

ClinVar aggregate classification (germline): Uncertain significance. Review status: criteria provided, multiple submitters, no conflicts (2 of 4 stars). 2 submissions from 2 submitters: Uncertain significance (2). Last evaluated 2023-12-15.

Conditions:
Inborn genetic diseases. Identifiers: MedGen C0950123, MeSH D030342.

Allele frequency attached by ClinVar (database versions not stated): gnomAD exomes 0.00002; ExAC 0.00003; gnomAD 0.00007; TOPMed 0.00007.
gnomAD v4.1: 36 of 1,614,082 alleles (0.0022%); highest among the groups gnomAD compares: Admixed American, 0.022%; no homozygotes.

Submissions (2):

Ambry Genetics
Classification: Uncertain significance for Inborn genetic diseases. Last evaluated: 2023-12-15. Review status: criteria provided, single submitter. Criteria: Ambry Variant Classification Scheme 2023. Collection method: clinical testing. Allele origin: germline.

Labcorp Genetics (formerly Invitae), Labcorp
Classification: Uncertain significance. Last evaluated: 2022-04-24. Review status: criteria provided, single submitter. Criteria: Invitae Variant Classification Sherloc (09022015). Collection method: clinical testing. Allele origin: germline.
Comment: This sequence change replaces histidine, which is basic and polar, with arginine, which is basic and polar, at codon 237 of the TBX19 protein (p.His237Arg). This variant is present in population databases (rs201741262, gnomAD 0.03%). This variant has not been reported in the literature in individuals affected with TBX19-related conditions. Algorithms developed to predict the effect of missense changes on protein structure and function output the following: SIFT: "Tolerated"; PolyPhen-2: "Benign"; Align-GVGD: "Class C0". The arginine amino acid residue is found in multiple mammalian species, which suggests that this missense change does not adversely affect protein function. In summary, the available evidence is currently insufficient to determine the role of this variant in disease. Therefore, it has been classified as a Variant of Uncertain Significance.